The following is an entry in ClinVar:

ClinVar aggregate classification (germline): Likely benign (1 of 4 stars; one submission).

Allele frequency attached by ClinVar (database versions not stated): ESP Exome Variant Server 0.00029; gnomAD 0.00040.
gnomAD v4.1: 693 of 1,210,343 alleles (0.057%); highest among the groups gnomAD compares: Middle Eastern, 0.094%; no homozygotes.

Submission:

CeGaT Center for Human Genetics Tuebingen
Classification: Likely benign. Last evaluated: 2023-02-01. Review status: criteria provided, single submitter. Criteria: CeGaT Center For Human Genetics Tuebingen Variant Classification Criteria Version 2. Collection method: clinical testing. Allele origin: germline. Affected: yes. Observed: 1 variant allele.
Comment: PNCK: BS2

NM_001366977.1(PNCK):c.1002C>T (p.Gly334=)

Gene: PNCK (pregnancy up-regulated nonubiquitous CaM kinase; minus strand). Cytogenetic location: Xq28.
Variant type: single nucleotide variant.
Coding change: c.1002C>T on transcript NM_001366977.1 (MANE Select); coding-DNA position 1002, C replaced by T.
Protein change: p.Gly334=; no amino-acid change (glycine 334 retained).
Molecular consequence: synonymous variant.
Genome position (GRCh38, 1-based): chrX:153,670,487, G>A on the plus strand (C>T on the coding strand, the complement: PNCK is on the minus strand). VCF-style: chrX-153670487-G-A. GRCh37 (hg19) VCF-style: chrX-152935942-G-A.
Other names: c.1251C>T, p.Gly417= (NM_001039582.3); c.1053C>T, p.Gly351= (NM_001135740.2); c.1002C>T, p.Gly334= (NM_001366975.1, NM_001366976.1, NM_001366978.1 and 2 more transcripts).
Identifiers: ClinVar variation 2661706 (VCV002661706.24), dbSNP rs149785603, ClinGen allele CA10548704.
Genomic context (GRCh38, chrX:153,670,487, plus strand): 5'-GTGCAGGGTCCACCCAAACACACCTGGGCATCACCACTTGGGGGGCTGGCCAGCACGGAG[G>A]CCTGAGTGGCTGTGGCGGGCCATGCCCTGCTCAGAGGCCCCCTCGCCCTCTGGGATCTGC-3'
Protein context (NP_001353906.1, residues 324-343): EQGMARHSHS[Gly334=]LRAGQPPKW